The following is an entry in ClinVar:

NM_002047.4(GARS1):c.197C>G (p.Pro66Arg)

Gene: GARS1 (glycyl-tRNA synthetase 1; plus strand). Cytogenetic location: 7p14.3.
Variant type: single nucleotide variant.
Coding change: c.197C>G on transcript NM_002047.4 (MANE Select); coding-DNA position 197, C replaced by G.
Protein change: p.Pro66Arg; replaces proline 66 with arginine.
Molecular consequence: missense variant.
Genome position (GRCh38, 1-based): chr7:30,595,118, C>G. VCF-style: chr7-30595118-C-G. GRCh37 (hg19) VCF-style: chr7-30634734-C-G.
Other names: c.35C>G, p.Pro12Arg (NM_001316772.1); short protein forms P12R, P66R.
Identifiers: ClinVar variation 2785895 (VCV002785895.3), dbSNP rs1791217852, ClinGen allele CA367138735.
Genomic context (GRCh38, chr7:30,595,118, plus strand): 5'-TGCCCGCCGCCGCCTCCCGGAGCAGCATGGACGGCGCGGGGGCTGAGGAGGTGCTGGCAC[C>G]TCTGAGGCTAGCAGTGCGCCAGCAGGTACCGGTGTTTTGCGCTCTCCGCTAAGCCTCCGG-3'
Protein context (NP_002038.2, residues 56-76): DGAGAEEVLA[Pro66Arg]LRLAVRQQGD

ClinVar aggregate classification (germline): Uncertain significance (1 of 4 stars; one submission).

Conditions:
Charcot-Marie-Tooth disease type 2. Also called: Charcot-Marie-Tooth type 2. Identifiers: Orphanet 64746, MedGen C0270914, MONDO:0018993.

Submission:

Labcorp Genetics (formerly Invitae), Labcorp
Classification: Uncertain significance for Charcot-Marie-Tooth disease type 2. Last evaluated: 2023-07-08. Review status: criteria provided, single submitter. Criteria: Invitae Variant Classification Sherloc (09022015). Collection method: clinical testing. Allele origin: germline.
Comment: In summary, the available evidence is currently insufficient to determine the role of this variant in disease. Therefore, it has been classified as a Variant of Uncertain Significance. This sequence change replaces proline, which is neutral and non-polar, with arginine, which is basic and polar, at codon 66 of the GARS protein (p.Pro66Arg). This variant is not present in population databases (gnomAD no frequency). This variant has not been reported in the literature in individuals affected with GARS-related conditions. Advanced modeling of protein sequence and biophysical properties (such as structural, functional, and spatial information, amino acid conservation, physicochemical variation, residue mobility, and thermodynamic stability) has been performed at Invitae for this missense variant, however the output from this modeling did not meet the statistical confidence thresholds required to predict the impact of this variant on GARS protein function.